The following is an entry in ClinVar:

NM_000395.3(CSF2RB):c.2011G>A (p.Gly671Arg)

Gene: CSF2RB (colony stimulating factor 2 receptor subunit beta; plus strand). Cytogenetic location: 22q12.3.
Variant type: single nucleotide variant.
Coding change: c.2011G>A on transcript NM_000395.3 (MANE Select); coding-DNA position 2011, G replaced by A.
Protein change: p.Gly671Arg; replaces glycine 671 with arginine.
Molecular consequence: missense variant.
Genome position (GRCh38, 1-based): chr22:36,937,819, G>A. VCF-style: chr22-36937819-G-A. GRCh37 (hg19) VCF-style: chr22-37333861-G-A.
Other names: c.2029G>A, p.Gly677Arg (NM_001410827.1); short protein forms G677R, G671R.
Identifiers: ClinVar variation 2983404 (VCV002983404.4), dbSNP rs558635124, ClinGen allele CA10214025.

ClinVar aggregate classification (germline): Conflicting classifications of pathogenicity. Review status: criteria provided, conflicting classifications (1 of 4 stars). 2 submissions from 2 submitters: Uncertain significance (1); Likely benign (1). Last evaluated 2025-02-17.

Allele frequency attached by ClinVar (database versions not stated): TOPMed below 0.00001; gnomAD 0.00003; gnomAD exomes 0.00003; ExAC 0.00006; 1000 Genomes Project 0.00040; 1000 Genomes Project 30x 0.00062.
gnomAD v4.1: 42 of 1,605,464 alleles (0.0026%); highest among the groups gnomAD compares: South Asian, 0.013%; no homozygotes.

Submissions (2):

Labcorp Genetics (formerly Invitae), Labcorp
Classification: Uncertain significance. Last evaluated: 2025-02-17. Review status: criteria provided, single submitter. Criteria: Invitae Variant Classification Sherloc (09022015). Collection method: clinical testing. Allele origin: germline.
Comment: This sequence change replaces glycine, which is neutral and non-polar, with arginine, which is basic and polar, at codon 671 of the CSF2RB protein (p.Gly671Arg). This variant is present in population databases (rs558635124, gnomAD 0.02%). This variant has not been reported in the literature in individuals affected with CSF2RB-related conditions. ClinVar contains an entry for this variant (Variation ID: 2983404). Invitae Evidence Modeling of protein sequence and biophysical properties (such as structural, functional, and spatial information, amino acid conservation, physicochemical variation, residue mobility, and thermodynamic stability) indicates that this missense variant is not expected to disrupt CSF2RB protein function with a negative predictive value of 80%. In summary, the available evidence is currently insufficient to determine the role of this variant in disease. Therefore, it has been classified as a Variant of Uncertain Significance.

Blueprint Genetics
Classification: Likely benign. Last evaluated: 2021-04-28. Review status: criteria provided, single submitter. Criteria: ACMG Guidelines, 2015. Collection method: clinical testing. Allele origin: germline.